The following is an entry in ClinVar:

ClinVar aggregate classification (germline): Conflicting classifications of pathogenicity. Review status: criteria provided, conflicting classifications (1 of 4 stars). 4 submissions from 4 submitters: Uncertain significance (2); Likely benign (1). 1 of the submissions does not count toward it. Last evaluated 2026-01-05.

Conditions:
PLXNA2-related disorder. Also called: PLXNA2-related condition.

Allele frequency attached by ClinVar (database versions not stated): 1000 Genomes Project 30x 0.00016; 1000 Genomes Project 0.00020; ExAC 0.00066; gnomAD exomes 0.00068 and 0.00104; TOPMed 0.00072; gnomAD 0.00076 and 0.00081; ESP Exome Variant Server 0.00100.
gnomAD v4.1: 1,626 of 1,614,228 alleles (0.1%); highest among the groups gnomAD compares: Non-Finnish European, 0.13%; 1 homozygote.

Submissions (4):

Labcorp Genetics (formerly Invitae), Labcorp
Classification: Uncertain significance. Last evaluated: 2026-01-05. Review status: criteria provided, single submitter. Criteria: Invitae Variant Classification Sherloc (09022015). Collection method: clinical testing. Allele origin: germline.
Comment: This sequence change replaces threonine, which is neutral and polar, with alanine, which is neutral and non-polar, at codon 1151 of the PLXNA2 protein (p.Thr1151Ala). This variant is present in population databases (rs138766213, gnomAD 0.1%), and has an allele count higher than expected for a pathogenic variant. This variant has not been reported in the literature in individuals affected with PLXNA2-related conditions. ClinVar contains an entry for this variant (Variation ID: 1358941). Invitae Evidence Modeling of protein sequence and biophysical properties (such as structural, functional, and spatial information, amino acid conservation, physicochemical variation, residue mobility, and thermodynamic stability) indicates that this missense variant is not expected to disrupt PLXNA2 protein function with a negative predictive value of 80%. In summary, the available evidence is currently insufficient to determine the role of this variant in disease. Therefore, it has been classified as a Variant of Uncertain Significance.

CeGaT Center for Human Genetics Tuebingen
Classification: Likely benign. Last evaluated: 2022-07-01. Review status: criteria provided, single submitter. Criteria: CeGaT Center For Human Genetics Tuebingen Variant Classification Criteria Version 2. Collection method: clinical testing. Allele origin: germline. Affected: yes. Observed: 1 variant allele.
Comment: PLXNA2: BP4

Breakthrough Genomics
Classification: Uncertain significance. Review status: criteria provided, single submitter. Criteria: ACMG Guidelines, 2015. Collection method: not provided. Allele origin: germline. Inheritance: Unknown mechanism. Affected: yes.

PreventionGenetics, part of Exact Sciences
Classification: Likely benign for PLXNA2-related condition. Last evaluated: 2023-12-19. Review status: no assertion criteria provided. Collection method: clinical testing. Allele origin: germline. Not counted in ClinVar's aggregate classification.
Comment: This variant is classified as likely benign based on ACMG/AMP sequence variant interpretation guidelines (Richards et al. 2015 PMID: 25741868, with internal and published modifications).

NM_025179.4(PLXNA2):c.3451A>G (p.Thr1151Ala)

Gene: PLXNA2 (plexin A2; minus strand). Cytogenetic location: 1q32.2.
Variant type: single nucleotide variant.
Coding change: c.3451A>G on transcript NM_025179.4 (MANE Select); coding-DNA position 3451, A replaced by G.
Protein change: p.Thr1151Ala; replaces threonine 1151 with alanine.
Molecular consequence: missense variant.
Genome position (GRCh38, 1-based): chr1:208,045,922, T>C on the plus strand (A>G on the coding strand, the complement: PLXNA2 is on the minus strand). VCF-style: chr1-208045922-T-C. GRCh37 (hg19) VCF-style: chr1-208219267-T-C.
Other names: c.3451A>G (NM_025179.3); short protein forms T1151A.
Identifiers: ClinVar variation 1358941 (VCV001358941.33), dbSNP rs138766213, ClinGen allele CA1373194.
Genomic context (GRCh38, chr1:208,045,922, plus strand): 5'-TGGCGGGCACTCCTACCTTCAGAATGATGGGCGATCCTGGCTTTTGATCCAAGACTCCAG[T>C]AGGGCTAAGCAGTTCAAAGGTCGGGTTGGGGTAGTAGATAAACTTGGTGTCGTTGTAAAT-3'
Protein context (NP_079455.3, residues 1141-1161): PNPTFELLSP[Thr1151Ala]GVLDQKPGSP